The following is an entry in ClinVar:

ClinVar aggregate classification (germline): Pathogenic. Review status: criteria provided, multiple submitters, no conflicts (2 of 4 stars). 2 submissions from 2 submitters: Pathogenic (2). Last evaluated 2025-10-20.

Conditions:
DeSanto-Shinawi syndrome due to WAC point mutation (DESSH). Also called: WAC-Related Intellectual Disability; Facial dysmorphism-developmental delay-behavioral abnormalities syndrome due to WAC point mutation; DEVELOPMENTAL DELAY, BEHAVIORAL ABNORMALITIES, FACIAL DYSMORPHISM, AND OCULAR ABNORMALITIES. Identifiers: Orphanet 284169, Orphanet 466950, MedGen C5681129, MONDO:0014741, OMIM 616708.

Submissions (2):

GeneDx
Classification: Pathogenic. Last evaluated: 2025-10-20. Review status: criteria provided, single submitter. Criteria: GeneDx Variant Classification Process June 2021. Collection method: clinical testing. Allele origin: germline. Affected: yes.
Comment: Frameshift variant predicted to result in protein truncation or nonsense mediated decay in a gene for which loss-of-function is a known mechanism of disease; Not observed at significant frequency in large population cohorts (gnomAD); Has not been previously published as pathogenic or benign to our knowledge

3billion
Classification: Pathogenic for DeSanto-Shinawi syndrome due to WAC point mutation. Last evaluated: 2022-05-22. Review status: criteria provided, single submitter. Criteria: ACMG Guidelines, 2015. Collection method: clinical testing. Allele origin: germline. Affected: yes. Observed: 1 heterozygote.
Comment: The variant is not observed in the gnomAD v2.1.1 dataset. Frameshift: predicted to result in a loss or disruption of normal protein function through nonsense-mediated decay (NMD) or protein truncation. Multiple pathogenic variants are reported downstream of the variant. The variant has been reported to be associated with WAC related disorder (ClinVar ID: VCV000817803). Therefore, this variant is classified as pathogenic according to the recommendation of ACMG/AMP guideline.

NM_016628.5(WAC):c.670_673del (p.Thr224fs)

Gene: WAC (WW domain containing adaptor with coiled-coil; plus strand). Cytogenetic location: 10p12.1.
Variant type: Deletion.
Coding change: c.670_673del on transcript NM_016628.5 (MANE Select); coding-DNA positions 670 to 673, 4 bases deleted (ACAA; older notation c.670_673delACAA).
Protein change: p.Thr224fs; shifts the reading frame from threonine 224.
Molecular consequence: frameshift variant. On other transcripts: intron variant (1).
Genome position (GRCh38, 1-based): chr10:28,595,792-28,595,795, ACAA deleted; deleting any 4 consecutive bases within chr10:28,595,789-28,595,795 gives the same sequence; the c. name uses the placement nearest the transcript's 3' end. VCF-style (leftmost placement, unchanged base first): chr10-28595788-TCAAA-T. GRCh37 (hg19) VCF-style: chr10-28884717-TCAAA-T.
Other names: c.535_538del, p.Thr179fs (NM_100264.3); c.610+4960_610+4963del (NM_100486.4); c.670_673delACAA (NM_016628.4); short protein forms T179fs, T224fs.
Identifiers: ClinVar variation 817803 (VCV000817803.5), dbSNP rs1589219377, ClinGen allele CA915945871.
Genomic context (GRCh38, chr10:28,595,788, plus strand): 5'-TAAAGTGGAAGACAAGCATTCCAGTGATGCCAGTAGTTTGCTCCCACAGAATATTTTGTC[TCAAA>T]CAAGCAGACACAATGACAGAGACTACAGACTGCCAAGAGCAGAGACTCACAGTAGTTCTA-3'